The following is an entry in ClinVar:

ClinVar aggregate classification (germline): Uncertain significance (1 of 4 stars; one submission).

gnomAD v4.1: 10 of 1,614,038 alleles (0.00062%); highest among the groups gnomAD compares: South Asian, 0.0022%; 1 homozygote.

Submission:

Labcorp Genetics (formerly Invitae), Labcorp
Classification: Uncertain significance. Last evaluated: 2024-07-23. Review status: criteria provided, single submitter. Criteria: Invitae Variant Classification Sherloc (09022015). Collection method: clinical testing. Allele origin: germline.
Comment: This sequence change affects codon 558 of the FN1 mRNA. It is a 'silent' change, meaning that it does not change the encoded amino acid sequence of the FN1 protein. It affects a nucleotide within the consensus splice site. This variant is present in population databases (no rsID available, gnomAD 0.003%). This variant has not been reported in the literature in individuals affected with FN1-related conditions. ClinVar contains an entry for this variant (Variation ID: 1379506). Algorithms developed to predict the effect of sequence changes on RNA splicing suggest that this variant is not likely to affect RNA splicing. In summary, the available evidence is currently insufficient to determine the role of this variant in disease. Therefore, it has been classified as a Variant of Uncertain Significance.

NM_212482.4(FN1):c.1674C>T (p.Val558=)

Genes: FN1 (fibronectin 1; minus strand), LOC122861289 (Sharpr-MPRA regulatory region 10603; plus strand). Cytogenetic location: 2q35.
Variant type: single nucleotide variant.
Coding change: c.1674C>T on transcript NM_212482.4 (MANE Select); coding-DNA position 1674, C replaced by T.
Protein change: p.Val558=; no amino-acid change (valine 558 retained).
Molecular consequence: synonymous variant.
Genome position (GRCh38, 1-based): chr2:215,420,674, G>A on the plus strand (C>T on the coding strand, the complement: FN1 is on the minus strand). VCF-style: chr2-215420674-G-A. GRCh37 (hg19) VCF-style: chr2-216285397-G-A.
Other names: c.1674C>T, p.Val558= (NM_001306129.2, NM_001306130.2, NM_001306131.2 and 14 more transcripts).
Identifiers: ClinVar variation 1379506 (VCV001379506.6), dbSNP rs774030542, ClinGen allele CA431156138.
Genomic context (GRCh38, chr2:215,420,674, plus strand): 5'-CTGAAACTTGCTAACCATTCCCCCTGTGCAAACTCATCTAGGGAAATAGGGCTACTCACC[G>A]ACGGGATCACACTTCCACCTGCCCCGACCCTGACCGAAGCATGTACAGTTCAGCATGTGC-3'
Protein context (NP_997647.2, residues 548-568): QGRGRWKCDP[Val558=]DQCQDSETGT